The following is an entry in ClinVar:

NM_001195.5(BFSP1):c.1042+1G>A

Gene: BFSP1 (beaded filament structural protein 1; minus strand). Cytogenetic location: 20p12.1.
Variant type: single nucleotide variant.
Coding change: c.1042+1G>A on transcript NM_001195.5 (MANE Select); the canonical splice donor site of the intron after coding-DNA position 1042, G replaced by A.
Molecular consequence: splice donor variant.
Genome position (GRCh38, 1-based): chr20:17,496,937, C>T on the plus strand (G>A on the coding strand, the complement: BFSP1 is on the minus strand). VCF-style: chr20-17496937-C-T. GRCh37 (hg19) VCF-style: chr20-17477582-C-T.
Other names: c.625+1G>A (NM_001278608.2, NM_001278606.2); c.709+1G>A (NM_001278607.2); c.667+1G>A (NM_001161705.2); c.934+1G>A (NM_001424338.1).
Identifiers: ClinVar variation 4997701 (VCV004997701.1).

ClinVar aggregate classification (germline): Uncertain significance (1 of 4 stars; one submission).

Conditions:
BFSP1-related disorder. Also called: BFSP1-related condition.

Submission:

PreventionGenetics, part of Exact Sciences
Classification: Uncertain significance for BFSP1-related condition. Last evaluated: 2025-04-23. Review status: criteria provided, single submitter. Criteria: ACMG Guidelines, 2015. Collection method: clinical testing. Allele origin: germline.
Comment: The BFSP1 c.1042+1G>A variant is predicted to disrupt the GT donor site and interfere with normal splicing. To our knowledge, this variant has not been reported in the literature or in a large population database (gnomAD), indicating this variant is rare. Protein truncating variants have not been conclusively shown to cause BFSP1-related disease. At this time, the clinical significance of this variant is uncertain due to the absence of conclusive functional and genetic evidence.